The following is an entry in ClinVar:

NM_173842.3(IL1RN):c.298G>A (p.Glu100Lys)

Gene: IL1RN (interleukin 1 receptor antagonist; plus strand). Cytogenetic location: 2q14.1.
Variant type: single nucleotide variant.
Coding change: c.298G>A on transcript NM_173842.3 (MANE Select); coding-DNA position 298, G replaced by A.
Protein change: p.Glu100Lys; replaces glutamic acid 100 with lysine.
Molecular consequence: missense variant.
Genome position (GRCh38, 1-based): chr2:113,131,137, G>A. VCF-style: chr2-113131137-G-A. GRCh37 (hg19) VCF-style: chr2-113888714-G-A.
Other names: c.244G>A, p.Glu82Lys (NM_000577.5); c.196G>A, p.Glu66Lys (NM_001318914.2, NM_001379360.1, NM_173843.3); c.307G>A, p.Glu103Lys (NM_173841.3); short protein forms E100K, E103K, E66K, E82K.
Identifiers: ClinVar variation 1024532 (VCV001024532.8), dbSNP rs764209607, ClinGen allele CA1838852.

ClinVar aggregate classification (germline): Uncertain significance (1 of 4 stars; one submission).

Conditions:
Sterile multifocal osteomyelitis with periostitis and pustulosis. Also called: CHRONIC RECURRENT MULTIFOCAL OSTEOMYELITIS 2, WITH PERIOSTITIS AND PUSTULOSIS. Identifiers: Orphanet 210115, MedGen C2748507, MONDO:0013021, OMIM 612852.

Allele frequency attached by ClinVar (database versions not stated): TOPMed below 0.00001; gnomAD 0.00001; gnomAD exomes 0.00001 and 0.00006; ExAC 0.00002.
gnomAD v4.1: 85 of 1,606,684 alleles (0.0053%); highest among the groups gnomAD compares: Non-Finnish European, 0.0072%; no homozygotes.

Submission:

Labcorp Genetics (formerly Invitae), Labcorp
Classification: Uncertain significance for Sterile multifocal osteomyelitis with periostitis and pustulosis. Last evaluated: 2020-05-11. Review status: criteria provided, single submitter. Criteria: Invitae Variant Classification Sherloc (09022015). Collection method: clinical testing. Allele origin: germline.
Comment: Algorithms developed to predict the effect of missense changes on protein structure and function output the following: SIFT: "Deleterious"; PolyPhen-2: "Benign"; Align-GVGD: "Class C0". The lysine amino acid residue is found in multiple mammalian species, suggesting that this missense change does not adversely affect protein function. These predictions have not been confirmed by published functional studies and their clinical significance is uncertain. This variant has not been reported in the literature in individuals with IL1RN-related conditions. This variant is present in population databases (rs764209607, ExAC 0.003%). This sequence change replaces glutamic acid with lysine at codon 103 of the IL1RN protein (p.Glu103Lys). The glutamic acid residue is moderately conserved and there is a small physicochemical difference between glutamic acid and lysine. In summary, the available evidence is currently insufficient to determine the role of this variant in disease. Therefore, it has been classified as a Variant of Uncertain Significance.